The following is an entry in ClinVar:

ClinVar aggregate classification (germline): Uncertain significance. Review status: criteria provided, multiple submitters, no conflicts (2 of 4 stars). 2 submissions from 2 submitters: Uncertain significance (2). Last evaluated 2024-05-14.

Allele frequency attached by ClinVar (database versions not stated): gnomAD 0.00003; ExAC 0.00004; TOPMed 0.00004; gnomAD exomes 0.00005.
gnomAD v4.1: 113 of 1,613,486 alleles (0.007%); highest among the groups gnomAD compares: Middle Eastern, 0.016%; no homozygotes.

Submissions (2):

Blueprint Genetics
Classification: Uncertain significance. Last evaluated: 2024-05-14. Review status: criteria provided, single submitter. Criteria: ACMG Guidelines, 2015. Collection method: clinical testing. Allele origin: germline.

Labcorp Genetics (formerly Invitae), Labcorp
Classification: Uncertain significance. Last evaluated: 2022-07-30. Review status: criteria provided, single submitter. Criteria: Invitae Variant Classification Sherloc (09022015). Collection method: clinical testing. Allele origin: germline.
Comment: This sequence change replaces arginine, which is basic and polar, with glutamine, which is neutral and polar, at codon 901 of the ADAMTS17 protein (p.Arg901Gln). This variant is present in population databases (rs756394096, gnomAD 0.01%). This variant has not been reported in the literature in individuals affected with ADAMTS17-related conditions. ClinVar contains an entry for this variant (Variation ID: 1416819). Algorithms developed to predict the effect of missense changes on protein structure and function are either unavailable or do not agree on the potential impact of this missense change (SIFT: "Not Available"; PolyPhen-2: "Benign"; Align-GVGD: "Not Available"). In summary, the available evidence is currently insufficient to determine the role of this variant in disease. Therefore, it has been classified as a Variant of Uncertain Significance.

NM_139057.4(ADAMTS17):c.2702G>A (p.Arg901Gln)

Gene: ADAMTS17 (ADAM metallopeptidase with thrombospondin type 1 motif 17; minus strand). Cytogenetic location: 15q26.3.
Variant type: single nucleotide variant.
Coding change: c.2702G>A on transcript NM_139057.4 (MANE Select); coding-DNA position 2702, G replaced by A.
Protein change: p.Arg901Gln; replaces arginine 901 with glutamine.
Molecular consequence: missense variant.
Genome position (GRCh38, 1-based): chr15:99,997,479, C>T on the plus strand (G>A on the coding strand, the complement: ADAMTS17 is on the minus strand). VCF-style: chr15-99997479-C-T. GRCh37 (hg19) VCF-style: chr15-100537684-C-T.
Other names: short protein forms R901Q.
Identifiers: ClinVar variation 1416819 (VCV001416819.6), dbSNP rs756394096, ClinGen allele CA7757611.
Genomic context (GRCh38, chr15:99,997,479, plus strand): 5'-CAGTCCTGGCCTTCACAGCTCTGCACTGCCGCCGGCCGGGGGCCCGGGCAGTAGAGGGGC[C>T]GCGTAGCGACGTGTGTGCCGTTCTGCAGCTGGTACACGCAGGTCACCTCCCGGTGCTGGA-3'
Protein context (NP_620688.2, residues 891-911): QLQNGTHVAT[Arg901Gln]PLYCPGPRPA